The following is an entry in ClinVar:

ClinVar aggregate classification (germline): Uncertain significance (1 of 4 stars; one submission).

gnomAD v4.1: 4 of 1,613,640 alleles (0.00025%); highest among the groups gnomAD compares: Non-Finnish European, 0.00034%; no homozygotes.

Submission:

Mayo Clinic Laboratories, Mayo Clinic
Classification: Uncertain significance. Last evaluated: 2023-10-11. Review status: criteria provided, single submitter. Criteria: ACMG Guidelines, 2015. Collection method: clinical testing. Allele origin: germline. Observed: 1 variant allele.
Comment: BP4

NM_005876.5(SPEG):c.5036A>G (p.Glu1679Gly)

Gene: SPEG (striated muscle enriched protein kinase; plus strand). Cytogenetic location: 2q35.
Variant type: single nucleotide variant.
Coding change: c.5036A>G on transcript NM_005876.5 (MANE Select); coding-DNA position 5036, A replaced by G.
Protein change: p.Glu1679Gly; replaces glutamic acid 1679 with glycine.
Molecular consequence: missense variant.
Genome position (GRCh38, 1-based): chr2:219,479,152, A>G. VCF-style: chr2-219479152-A-G. GRCh37 (hg19) VCF-style: chr2-220343874-A-G.
Other names: p.Glu1679Gly; short protein forms E1679G.
Identifiers: ClinVar variation 3379427 (VCV003379427.1).